The following is an entry in ClinVar:

ClinVar aggregate classification (germline): Uncertain significance (1 of 4 stars; one submission).

Submission:

Labcorp Genetics (formerly Invitae), Labcorp
Classification: Uncertain significance. Last evaluated: 2023-05-31. Review status: criteria provided, single submitter. Criteria: Invitae Variant Classification Sherloc (09022015). Collection method: clinical testing. Allele origin: germline.
Comment: In summary, the available evidence is currently insufficient to determine the role of this variant in disease. Therefore, it has been classified as a Variant of Uncertain Significance. This variant has not been reported in the literature in individuals affected with ATP5D-related conditions. This variant is present in population databases (rs768343979, gnomAD 0.04%). This variant, c.82_84dup, results in the insertion of 1 amino acid(s) of the ATP5D protein (p.Ala28dup), but otherwise preserves the integrity of the reading frame.

NM_001687.5(ATP5F1D):c.73GCC[5] (p.Ala28_Pro29insAla)

Genes: ATP5F1D (ATP synthase F1 subunit delta; plus strand), LOC130062903 (ATAC-STARR-seq lymphoblastoid silent region 9673; plus strand). Cytogenetic location: 19p13.3.
Variant type: Microsatellite.
Coding change: c.73GCC[5] on transcript NM_001687.5 (MANE Select); five copies in a row of the 3-base unit GCC starting at c.73; the reference has four copies in a row; one copy, 3 bases duplicated.
Protein change: p.Ala28_Pro29insAla.
Molecular consequence: inframe insertion.
Genome position (GRCh38, 1-based): chr19:1,241,932-1,241,934, GCC duplicated; duplicating any 3 consecutive bases within chr19:1,241,923-1,241,934 gives the same sequence; the position shown is the placement nearest the transcript's 3' end. VCF-style (leftmost placement, unchanged base first): chr19-1241922-G-GGCC. GRCh37 (hg19) VCF-style: chr19-1241921-G-GGCC.
Other names: c.73GCC[5], p.Ala28_Pro29insAla (NM_001001975.2).
Identifiers: ClinVar variation 2776753 (VCV002776753.3), dbSNP rs768343979, ClinGen allele CA9040193.